The following is an entry in ClinVar:

NM_007126.5(VCP):c.964C>A (p.Arg322=)

Gene: VCP (valosin containing protein; minus strand). Cytogenetic location: 9p13.3.
Variant type: single nucleotide variant.
Coding change: c.964C>A on transcript NM_007126.5 (MANE Select); coding-DNA position 964, C replaced by A.
Protein change: p.Arg322=; no amino-acid change (arginine 322 retained).
Molecular consequence: synonymous variant.
Genome position (GRCh38, 1-based): chr9:35,062,120, G>T on the plus strand (C>A on the coding strand, the complement: VCP is on the minus strand). VCF-style: chr9-35062120-G-T. GRCh37 (hg19) VCF-style: chr9-35062117-G-T.
Other names: c.829C>A, p.Arg277= (NM_001354927.2, NM_001354928.2).
Identifiers: ClinVar variation 4875065 (VCV004875065.2).

ClinVar aggregate classification (germline): Uncertain significance (1 of 4 stars; one submission).

Submission:

CeGaT Center for Human Genetics Tuebingen
Classification: Uncertain significance. Last evaluated: 2026-06-01. Review status: criteria provided, single submitter. Criteria: CeGaT Center For Human Genetics Tuebingen Variant Classification Criteria Version 2. Collection method: clinical testing. Allele origin: germline. Affected: yes. Observed: 1 variant allele.
Comment: VCP: PM2:Supporting, BP4